The following is an entry in ClinVar:

ClinVar aggregate classification (germline): Uncertain significance (1 of 4 stars; one submission).

Submission:

Labcorp Genetics (formerly Invitae), Labcorp
Classification: Uncertain significance. Last evaluated: 2025-07-16. Review status: criteria provided, single submitter. Criteria: Invitae Variant Classification Sherloc (09022015). Collection method: clinical testing. Allele origin: germline.
Comment: This sequence change replaces proline, which is neutral and non-polar, with arginine, which is basic and polar, at codon 10 of the NTRK2 protein (p.Pro10Arg). This variant is not present in population databases (gnomAD no frequency). This variant has not been reported in the literature in individuals affected with NTRK2-related conditions. An algorithm developed to predict the effect of missense changes on protein structure and function (PolyPhen-2) suggests that this variant is likely to be disruptive. In summary, the available evidence is currently insufficient to determine the role of this variant in disease. Therefore, it has been classified as a Variant of Uncertain Significance.

NM_006180.6(NTRK2):c.29C>G (p.Pro10Arg)

Gene: NTRK2 (neurotrophic receptor tyrosine kinase 2; plus strand). Cytogenetic location: 9q21.33.
Variant type: single nucleotide variant.
Coding change: c.29C>G on transcript NM_006180.6 (MANE Select); coding-DNA position 29, C replaced by G.
Protein change: p.Pro10Arg; replaces proline 10 with arginine.
Molecular consequence: missense variant.
Genome position (GRCh38, 1-based): chr9:84,670,777, C>G. VCF-style: chr9-84670777-C-G. GRCh37 (hg19) VCF-style: chr9-87285692-C-G.
Other names: c.29C>G, p.Pro10Arg (NM_001007097.3, NM_001018064.3, NM_001018065.2 and 18 more transcripts); short protein forms P10R.
Identifiers: ClinVar variation 4723373 (VCV004723373.1).